The following is an entry in ClinVar:

NM_003673.4(TCAP):c.421C>G (p.Pro141Ala)

Gene: TCAP (titin-cap; plus strand). Cytogenetic location: 17q12.
Variant type: single nucleotide variant.
Coding change: c.421C>G on transcript NM_003673.4 (MANE Select); coding-DNA position 421, C replaced by G.
Protein change: p.Pro141Ala; replaces proline 141 with alanine.
Molecular consequence: missense variant.
Genome position (GRCh38, 1-based): chr17:39,666,026, C>G. VCF-style: chr17-39666026-C-G. GRCh37 (hg19) VCF-style: chr17-37822279-C-G.
Other names: short protein forms P141A.
Identifiers: ClinVar variation 180535 (VCV000180535.27), dbSNP rs45509691, ClinGen allele CA308849.
Genomic context (GRCh38, chr17:39,666,026, plus strand): 5'-ACAGCCCTGGGTGGCCAGTGTGTGGACCGCCAGGAGGTGGCTGAGATCACAAAGCAGCTG[C>G]CCCCTGTGGTGCCTGTCAGCAAGCCCGGTGCACTTCGTCGCTCCCTGTCCCGCTCCATGT-3'
Protein context (NP_003664.1, residues 131-151): QEVAEITKQL[Pro141Ala]PVVPVSKPGA

ClinVar aggregate classification (germline): Conflicting classifications of pathogenicity. Review status: criteria provided, conflicting classifications (1 of 4 stars). 7 submissions from 7 submitters: Uncertain significance (6); Likely benign (1). Last evaluated 2026-06-16.

Conditions:
TCAP-related disorder. Also called: TCAP-related condition.
Cardiovascular phenotype. Identifiers: MedGen CN230736.
Primary familial hypertrophic cardiomyopathy (HCM). Identifiers: Orphanet 99739, MedGen C0949658, MeSH D024741, MONDO:0024573. Inheritance: Various modes of inheritance.
Hypertrophic cardiomyopathy 25 (CMH25). Also called: CARDIOMYOPATHY, FAMILIAL HYPERTROPHIC, 25. Identifiers: MedGen C4225408, MONDO:0011843, OMIM 607487.
Autosomal recessive limb-girdle muscular dystrophy type 2G (LGMDR7). Also called: Limb-girdle muscular dystrophy, type 2G; Telethoninopathy; MUSCULAR DYSTROPHY, LIMB-GIRDLE, AUTOSOMAL RECESSIVE 7. Identifiers: Orphanet 34514, MedGen C1866008, MONDO:0011170, OMIM 601954.

Allele frequency attached by ClinVar (database versions not stated): TOPMed 0.00001; gnomAD 0.00002; ExAC 0.00003; gnomAD exomes 0.00003 and 0.00006.
gnomAD v4.1: 94 of 1,610,684 alleles (0.0058%); highest among the groups gnomAD compares: Non-Finnish European, 0.0075%; no homozygotes.

Submissions (7):

PreventionGenetics, part of Exact Sciences
Classification: Uncertain significance for TCAP-related condition. Last evaluated: 2026-06-16. Review status: criteria provided, single submitter. Criteria: ACMG Guidelines, 2015. Collection method: clinical testing. Allele origin: germline.
Comment: The TCAP c.421C>G variant is predicted to result in the amino acid substitution p.Pro141Ala. This variant has been reported in a sudden cardiac arrest cohort (Giudicessi et al. 2018. PubMed ID: 29884292). This variant has also been reported in an individual with dilated cardiomyopathy; however, this variant was not considered to segregate with disease (Hershberger et al. 2008. PubMed ID: 19412328). This variant is reported in 0.0062% of alleles in individuals of European (Non-Finnish) descent in gnomAD. At this time, the clinical significance of this variant is uncertain due to the absence of conclusive functional and genetic evidence.

Labcorp Genetics (formerly Invitae), Labcorp
Classification: Uncertain significance for Hypertrophic cardiomyopathy 25; Primary familial hypertrophic cardiomyopathy. Last evaluated: 2025-10-17. Review status: criteria provided, single submitter. Criteria: Invitae Variant Classification Sherloc (09022015). Collection method: clinical testing. Allele origin: germline.
Comment: This sequence change replaces proline, which is neutral and non-polar, with alanine, which is neutral and non-polar, at codon 141 of the TCAP protein (p.Pro141Ala). This variant is present in population databases (rs45509691, gnomAD 0.005%). This missense change has been observed in individual(s) with dilated cardiomyopathy (PMID: 19412328, 20215591). ClinVar contains an entry for this variant (Variation ID: 180535). An algorithm developed to predict the effect of missense changes on protein structure and function (PolyPhen-2) suggests that this variant is likely to be disruptive. In summary, the available evidence is currently insufficient to determine the role of this variant in disease. Therefore, it has been classified as a Variant of Uncertain Significance.

Ambry Genetics
Classification: Uncertain significance for Cardiovascular phenotype. Last evaluated: 2025-03-18. Review status: criteria provided, single submitter. Criteria: Ambry Variant Classification Scheme 2023. Collection method: clinical testing. Allele origin: germline.
Comment: The p.P141A variant (also known as c.421C>G), located in coding exon 2 of the TCAP gene, results from a C to G substitution at nucleotide position 421. The proline at codon 141 is replaced by alanine, an amino acid with highly similar properties. This amino acid position is highly conserved in available vertebrate species. In addition, this alteration is predicted to be deleterious by in silico analysis. Based on the available evidence, the clinical significance of this variant remains unclear.

Blueprint Genetics
Classification: Likely benign. Last evaluated: 2024-02-15. Review status: criteria provided, single submitter. Criteria: ACMG Guidelines, 2015. Collection method: clinical testing. Allele origin: germline.

GeneDx
Classification: Uncertain significance. Last evaluated: 2019-05-21. Review status: criteria provided, single submitter. Criteria: GeneDx Variant Classification Process June 2021. Collection method: clinical testing. Allele origin: germline. Affected: yes.
Comment: In silico analysis, which includes protein predictors and evolutionary conservation, supports a deleterious effect; This variant is associated with the following publications: (PMID: 20215591, 19412328, 29884292, 18585512, 16911908)

Revvity Omics, Revvity
Classification: Uncertain significance. Last evaluated: 2019-04-30. Review status: criteria provided, single submitter. Criteria: ACMG Guidelines, 2015. Collection method: clinical testing. Allele origin: germline.

Eurofins Ntd Llc (ga)
Classification: Uncertain significance. Last evaluated: 2018-07-31. Review status: criteria provided, single submitter. Criteria: EGL ClinVar v180209 classification definitions. Collection method: clinical testing. Allele origin: germline. Observed: 2 variant alleles, 2 heterozygotes.

Literature cited by the submitters: PubMed 19412328 (cited by 3 submitters); PubMed 20215591 (cited by 3 submitters); PubMed 16911908 (cited by Ambry Genetics); PubMed 18585512 (cited by Ambry Genetics and Eurofins Ntd Llc (ga)); PubMed 29884292 (cited by Ambry Genetics).